The following is an entry in ClinVar:

ClinVar aggregate classification (germline): Uncertain significance. Review status: criteria provided, multiple submitters, no conflicts (2 of 4 stars). 2 submissions from 2 submitters: Uncertain significance (2). Last evaluated 2024-10-01.

Conditions:
Arrhythmogenic right ventricular cardiomyopathy (ARVD). Also called: Arrhythmogenic right ventricular dysplasia; Cardiomyopathy, ARVC; Arrhythmogenic cardiomyopathy; Arrhythmogenic Right Ventricular Cardiomyopathy (ARVC). Identifiers: Orphanet 247, MedGen C0349788, MeSH D019571, MONDO:0016587. Disease mechanism: loss of function. Inheritance: Various modes of inheritance.
Cardiomyopathy (CMYO). Also called: Cardiomyopathies. Identifiers: Orphanet 167848, MedGen C0878544, MONDO:0004994, HP:0001638. Inheritance: Various modes of inheritance.

Allele frequency attached by ClinVar (database versions not stated): gnomAD exomes below 0.00001.
gnomAD v4.1: 4 of 1,533,350 alleles (0.00026%); highest among the groups gnomAD compares: Non-Finnish European, 0.00036%; no homozygotes.

Submissions (3):

All of Us Research Program, National Institutes of Health
Classification: Uncertain significance for Arrhythmogenic right ventricular cardiomyopathy. Last evaluated: 2024-10-01. Review status: criteria provided, single submitter. Criteria: ACMG Guidelines, 2015. Collection method: clinical testing. Allele origin: germline. Inheritance: Autosomal dominant inheritance. Observed: 1 variant allele, 1 heterozygote.
Comment: This missense variant replaces lysine with asparagine at codon 602 of the PKP2 protein. Computational prediction is inconclusive regarding the impact of this variant on protein structure and function (internally defined REVEL score threshold 0.5 < inconclusive < 0.7, PMID: 27666373). This variant causes a G>C nucleotide substitution at the last nucleotide of exon 8 of the PKP2 gene, and splice site prediction tools suggest that this variant may impact RNA splicing. To our knowledge, functional studies have not been reported for this variant. This variant has not been reported in individuals affected with cardiovascular disorders in the literature. This variant has not been identified in the general population by the Genome Aggregation Database (gnomAD). The available evidence is insufficient to determine the role of this variant in disease conclusively. Therefore, this variant is classified as a Variant of Uncertain Significance.

This study involves interpretation of variants in research participants for the purpose of population health screening. Participant phenotype was not available at the time of variant classification. Additional details can be found in publication PMID: 35346344, PMCID: PMC8962531

Color Diagnostics, LLC DBA Color Health
Classification: Uncertain significance for Cardiomyopathy. Last evaluated: 2022-05-10. Review status: criteria provided, single submitter. Criteria: ACMG Guidelines, 2015. Collection method: clinical testing. Allele origin: germline.
Comment: This missense variant replaces lysine with asparagine at codon 602 of the PKP2 protein. Computational prediction is inconclusive regarding the impact of this variant on protein structure and function (internally defined REVEL score threshold 0.5 < inconclusive < 0.7, PMID: 27666373). This variant causes a G>C nucleotide substitution at the last nucleotide of exon 8 of the PKP2 gene, and splice site prediction tools suggest that this variant may impact RNA splicing. To our knowledge, functional studies have not been reported for this variant. This variant has not been reported in individuals affected with cardiovascular disorders in the literature. This variant has not been identified in the general population by the Genome Aggregation Database (gnomAD). The available evidence is insufficient to determine the role of this variant in disease conclusively. Therefore, this variant is classified as a Variant of Uncertain Significance.

Dr. Peter K. Rogan Lab, Western University
No classification provided (evidence only). Condition: Clear cell carcinoma of kidney. Review status: no classification provided. Collection method: in vitro. Allele origin: not applicable. Functional consequence: retained intron. Not counted in ClinVar's aggregate classification.

NM_001005242.3(PKP2):c.1674G>C (p.Lys558Asn)

Gene: PKP2 (plakophilin 2; minus strand). Cytogenetic location: 12p11.21.
Variant type: single nucleotide variant.
Coding change: c.1674G>C on transcript NM_001005242.3 (MANE Select); coding-DNA position 1674, G replaced by C.
Protein change: p.Lys558Asn; replaces lysine 558 with asparagine.
Molecular consequence: missense variant.
Genome position (GRCh38, 1-based): chr12:32,824,045, C>G on the plus strand (G>C on the coding strand, the complement: PKP2 is on the minus strand). VCF-style: chr12-32824045-C-G. GRCh37 (hg19) VCF-style: chr12-32976979-C-G.
Other names: c.1674G>C, p.Lys558Asn (NM_001407155.1, NM_001407156.1, NM_001407161.1); c.1806G>C, p.Lys602Asn (NM_001407157.1, NM_004572.4); c.1347G>C, p.Lys449Asn (NM_001407158.1, NM_001407159.1, NM_001407160.1 and 1 more transcripts); short protein forms K449N, K558N, K602N.
Identifiers: ClinVar variation 2774089 (VCV002774089.4), dbSNP rs1956408431, ClinGen allele CA384364403.